The following is an entry in ClinVar:

ClinVar aggregate classification (germline): Conflicting classifications of pathogenicity. Review status: criteria provided, conflicting classifications (1 of 4 stars). 4 submissions from 4 submitters: Likely pathogenic (1); Uncertain significance (2). 1 of the submissions does not count toward it. Last evaluated 2025-03-27.

Conditions:
Slow-Channel Congenital Myasthenia Syndrome (CMS1A). Also called: Myasthenic Syndromes, Congenital, Slow Channel. Identifiers: Orphanet 590, MedGen C0751885.
Lethal multiple pterygium syndrome (LMPS). Identifiers: Orphanet 33108, MedGen C1854678, MONDO:0009668, OMIM 253290.

Submissions (4):

GeneDx
Classification: Likely pathogenic. Last evaluated: 2025-03-27. Review status: criteria provided, single submitter. Criteria: GeneDx Variant Classification Process June 2021. Collection method: clinical testing. Allele origin: germline. Affected: yes.
Comment: Not observed at significant frequency in large population cohorts (gnomAD); In silico analysis supports that this missense variant has a deleterious effect on protein structure/function; Has not been previously published as pathogenic or benign to our knowledge; This variant is associated with the following publications: (PMID: 14719537)

Labcorp Genetics (formerly Invitae), Labcorp
Classification: Uncertain significance for Lethal multiple pterygium syndrome. Last evaluated: 2021-12-03. Review status: criteria provided, single submitter. Criteria: Invitae Variant Classification Sherloc (09022015). Collection method: clinical testing. Allele origin: germline.
Comment: This sequence change replaces serine, which is neutral and polar, with phenylalanine, which is neutral and non-polar, at codon 246 of the CHRNA1 protein (p.Ser246Phe). This variant is not present in population databases (gnomAD no frequency). This variant has not been reported in the literature in individuals affected with CHRNA1-related conditions. ClinVar contains an entry for this variant (Variation ID: 135655). Advanced modeling of protein sequence and biophysical properties (such as structural, functional, and spatial information, amino acid conservation, physicochemical variation, residue mobility, and thermodynamic stability) performed at Invitae indicates that this missense variant is expected to disrupt CHRNA1 protein function. In summary, the available evidence is currently insufficient to determine the role of this variant in disease. Therefore, it has been classified as a Variant of Uncertain Significance.

Revvity Omics, Revvity
Classification: Uncertain significance. Last evaluated: 2019-03-13. Review status: criteria provided, single submitter. Criteria: ACMG Guidelines, 2015. Collection method: clinical testing. Allele origin: germline.

Mayo Muscle Lab,  Mayo Clinic
Classification: Pathogenic for Slow-Channel Congenital Myasthenia Syndrome. Last evaluated: 1999-06-15. Review status: no assertion criteria provided. Collection method: research. Allele origin: germline. Inheritance: Autosomal dominant inheritance. Affected: yes. Not counted in ClinVar's aggregate classification.

NM_000079.4(CHRNA1):c.737C>T (p.Ser246Phe)

Gene: CHRNA1 (cholinergic receptor nicotinic alpha 1 subunit; minus strand). Cytogenetic location: 2q31.1.
Variant type: single nucleotide variant.
Coding change: c.737C>T on transcript NM_000079.4 (MANE Select); coding-DNA position 737, C replaced by T.
Protein change: p.Ser246Phe; replaces serine 246 with phenylalanine.
Molecular consequence: missense variant.
Genome position (GRCh38, 1-based): chr2:174,753,544, G>A on the plus strand (C>T on the coding strand, the complement: CHRNA1 is on the minus strand). VCF-style: chr2-174753544-G-A. GRCh37 (hg19) VCF-style: chr2-175618272-G-A.
Other names: c.812C>T, p.Ser271Phe (NM_001039523.3); short protein forms S271F, S246F.
Identifiers: ClinVar variation 135655 (VCV000135655.13), dbSNP rs483353046, ClinGen allele CA269930.
Genomic context (GRCh38, chr2:174,753,544, plus strand): 5'-TCATGGCAACCACACCCACCTGAGTCTGTGGGCAGGTAGAATACCAGGCCAGTTAAGAAG[G>A]AGAAGAGCAGGCAGGGGATGATGACGTTGACGATGAAGTAGAGGGGCAGGCGCTGCATGA-3'
Protein context (NP_000070.1, residues 236-256): VNVIIPCLLF[Ser246Phe]FLTGLVFYLP